The following is an entry in ClinVar:

ClinVar aggregate classification (germline): Conflicting classifications of pathogenicity. Review status: criteria provided, conflicting classifications (1 of 4 stars). 6 submissions from 6 submitters: Uncertain significance (4); Likely benign (1). 1 of the submissions does not count toward it. Last evaluated 2024-10-20.

Conditions:
MEGF8-related disorder. Also called: MEGF8-related condition.
Inborn genetic diseases. Identifiers: MedGen C0950123, MeSH D030342.
MEGF8-related Carpenter syndrome. Also called: Carpenter syndrome 2. Identifiers: Orphanet 65759, MedGen C3554247, MONDO:0013998, OMIM 614976.

Allele frequency attached by ClinVar (database versions not stated): TOPMed 0.00005; gnomAD 0.00006 and 0.00007; ESP Exome Variant Server 0.00015; 1000 Genomes Project 30x 0.00016; gnomAD exomes 0.00019 and 0.00022; 1000 Genomes Project 0.00020; ExAC 0.00026.
gnomAD v4.1: 289 of 1,613,640 alleles (0.018%); highest among the groups gnomAD compares: Middle Eastern, 0.13%; 1 homozygote.

Submissions (6):

Ambry Genetics
Classification: Uncertain significance for Inborn genetic diseases. Last evaluated: 2024-10-20. Review status: criteria provided, single submitter. Criteria: Ambry Variant Classification Scheme 2023. Collection method: clinical testing. Allele origin: germline.

CeGaT Center for Human Genetics Tuebingen
Classification: Likely benign. Last evaluated: 2023-04-01. Review status: criteria provided, single submitter. Criteria: CeGaT Center For Human Genetics Tuebingen Variant Classification Criteria Version 2. Collection method: clinical testing. Allele origin: germline. Affected: yes. Observed: 1 variant allele.
Comment: MEGF8: BP4

Labcorp Genetics (formerly Invitae), Labcorp
Classification: Uncertain significance for MEGF8-related Carpenter syndrome. Last evaluated: 2021-09-21. Review status: criteria provided, single submitter. Criteria: Invitae Variant Classification Sherloc (09022015). Collection method: clinical testing. Allele origin: germline.
Comment: This sequence change replaces proline with leucine at codon 2100 of the MEGF8 protein (p.Pro2100Leu). The proline residue is moderately conserved and there is a moderate physicochemical difference between proline and leucine. This variant is present in population databases (rs372350131, ExAC 0.1%). This variant has not been reported in the literature in individuals affected with MEGF8-related conditions. Algorithms developed to predict the effect of missense changes on protein structure and function (SIFT, PolyPhen-2, Align-GVGD) all suggest that this variant is likely to be tolerated. In summary, the available evidence is currently insufficient to determine the role of this variant in disease. Therefore, it has been classified as a Variant of Uncertain Significance.

GeneDx
Classification: Uncertain significance. Last evaluated: 2019-07-30. Review status: criteria provided, single submitter. Criteria: GeneDx Variant Classification Process June 2021. Collection method: clinical testing. Allele origin: germline. Affected: yes.
Comment: In silico analysis, which includes protein predictors and evolutionary conservation, supports that this variant does not alter protein structure/function; Has not been previously published as pathogenic or benign to our knowledge

Breakthrough Genomics
Classification: Uncertain significance. Review status: criteria provided, single submitter. Criteria: ACMG Guidelines, 2015. Collection method: not provided. Allele origin: germline. Inheritance: Autosomal dominant inheritance. Affected: yes.

PreventionGenetics, part of Exact Sciences
Classification: Uncertain significance for MEGF8-related condition. Last evaluated: 2024-09-23. Review status: no assertion criteria provided. Collection method: clinical testing. Allele origin: germline. Not counted in ClinVar's aggregate classification.
Comment: The MEGF8 c.6299C>T variant is predicted to result in the amino acid substitution p.Pro2100Leu. To our knowledge, this variant has not been reported in the literature. This variant is reported in 0.13% of alleles in individuals of South Asian descent in gnomAD. At this time, the clinical significance of this variant is uncertain due to the absence of conclusive functional and genetic evidence.

NM_001271938.2(MEGF8):c.6500C>T (p.Pro2167Leu)

Gene: MEGF8 (multiple EGF like domains 8; plus strand). Cytogenetic location: 19q13.2.
Variant type: single nucleotide variant.
Coding change: c.6500C>T on transcript NM_001271938.2 (MANE Select); coding-DNA position 6500, C replaced by T.
Protein change: p.Pro2167Leu; replaces proline 2167 with leucine.
Molecular consequence: missense variant.
Genome position (GRCh38, 1-based): chr19:42,368,861, C>T. VCF-style: chr19-42368861-C-T. GRCh37 (hg19) VCF-style: chr19-42873013-C-T.
Other names: c.6299C>T, p.Pro2100Leu (NM_001410.3); short protein forms P2100L, P2167L.
Identifiers: ClinVar variation 566132 (VCV000566132.34), dbSNP rs372350131, ClinGen allele CA9475883.
Genomic context (GRCh38, chr19:42,368,861, plus strand): 5'-TGGTACAGAGGTCCAGGTAAAATGCTATATCCCCGGTGCTAGGGCTGACATGTGGGCGTC[C>T]GGGGGCCTCCTGGGCCTTCCTGTCCTGCCCCCCTGAGGACGAGTGTGCAAACGGGCACCA-3'
Protein context (NP_001258867.1, residues 2157-2177): GPRDGLTCGR[Pro2167Leu]GASWAFLSCP